The following is an entry in ClinVar:

ClinVar aggregate classification (germline): Likely benign (1 of 4 stars; one submission).

Submission:

CeGaT Center for Human Genetics Tuebingen
Classification: Likely benign. Last evaluated: 2024-03-01. Review status: criteria provided, single submitter. Criteria: CeGaT Center For Human Genetics Tuebingen Variant Classification Criteria Version 2. Collection method: clinical testing. Allele origin: germline. Affected: yes. Observed: 1 variant allele.
Comment: MRPL17: PM2:Supporting, BP4, BP7

NM_022061.4(MRPL17):c.408T>A (p.Pro136=)

Gene: MRPL17 (mitochondrial ribosomal protein L17; minus strand). Cytogenetic location: 11p15.4.
Variant type: single nucleotide variant.
Coding change: c.408T>A on transcript NM_022061.4 (MANE Select); coding-DNA position 408, T replaced by A.
Protein change: p.Pro136=; no amino-acid change (proline 136 retained).
Molecular consequence: synonymous variant.
Genome position (GRCh38, 1-based): chr11:6,682,238, A>T on the plus strand (T>A on the coding strand, the complement: MRPL17 is on the minus strand). VCF-style: chr11-6682238-A-T. GRCh37 (hg19) VCF-style: chr11-6703469-A-T.
Identifiers: ClinVar variation 3234352 (VCV003234352.20), dbSNP rs2493885107, ClinGen allele CA472948914.